The following is an entry in ClinVar:

NM_001382347.1(MYO5A):c.4951+3A>G

Gene: MYO5A (myosin VA; minus strand). Cytogenetic location: 15q21.2.
Variant type: single nucleotide variant.
Coding change: c.4951+3A>G on transcript NM_001382347.1 (MANE Select); 3 bases into the intron after coding-DNA position 4951, A replaced by G.
Molecular consequence: intron variant.
Genome position (GRCh38, 1-based): chr15:52,321,356, T>C on the plus strand (A>G on the coding strand, the complement: MYO5A is on the minus strand). VCF-style: chr15-52321356-T-C. GRCh37 (hg19) VCF-style: chr15-52613553-T-C.
Other names: c.4876+3A>G (NM_000259.3); c.4867+3A>G (NM_001411135.1); c.4795+3A>G (NM_001142495.2); c.4948+3A>G (NM_001382349.1); c.5023+3A>G (NM_001382348.1).
Identifiers: ClinVar variation 3047714 (VCV003047714.3), dbSNP rs1004466186, ClinGen allele CA270685613.
Genomic context (GRCh38, chr15:52,321,356, plus strand): 5'-GCTACTTATCGATGGGCATGAATGATAGGCAGGCTGCAATGCCCAGTGGGGCCCTGGCCT[T>C]ACCAATCATTGGCTGAAGGATGTTCTCTAACACCCGCACGAGCTGCTGGTAGATCTGAAT-3'

ClinVar aggregate classification (germline): Likely benign. Review status: criteria provided, single submitter (1 of 4 stars). 2 submissions from 2 submitters: Likely benign (1). 1 of the submissions does not count toward it. Last evaluated 2020-06-23.

Conditions:
MYO5A-related disorder. Also called: MYO5A-related condition.

gnomAD v4.1: 1 of 1,614,170 alleles (0.000062%); no homozygotes.

Submissions (2):

Blueprint Genetics
Classification: Likely benign. Last evaluated: 2020-06-23. Review status: criteria provided, single submitter. Criteria: ACMG Guidelines, 2015. Collection method: clinical testing. Allele origin: germline.

PreventionGenetics, part of Exact Sciences
Classification: Likely benign for MYO5A-related condition. Last evaluated: 2022-06-20. Review status: no assertion criteria provided. Collection method: clinical testing. Allele origin: germline. Not counted in ClinVar's aggregate classification.
Comment: This variant is classified as likely benign based on ACMG/AMP sequence variant interpretation guidelines (Richards et al. 2015 PMID: 25741868, with internal and published modifications).